The following is an entry in ClinVar:

NM_000368.5(TSC1):c.429T>G (p.Ile143Met)

Gene: TSC1 (TSC complex subunit 1; minus strand). Cytogenetic location: 9q34.13.
Variant type: single nucleotide variant.
Coding change: c.429T>G on transcript NM_000368.5 (MANE Select); coding-DNA position 429, T replaced by G.
Protein change: p.Ile143Met; replaces isoleucine 143 with methionine.
Molecular consequence: missense variant. On other transcripts: 5 prime UTR variant (5), non-coding transcript variant (5).
Genome position (GRCh38, 1-based): chr9:132,923,427, A>C on the plus strand (T>G on the coding strand, the complement: TSC1 is on the minus strand). VCF-style: chr9-132923427-A-C. GRCh37 (hg19) VCF-style: chr9-135798814-A-C.
Other names: c.429T>G, p.Ile143Met (NM_001406598.1, NM_001406599.1, NM_001406600.1 and 16 more transcripts); c.276T>G, p.Ile92Met (NM_001162427.2, NM_001406610.1, NM_001406611.1 and 2 more transcripts); c.66T>G, p.Ile22Met (NM_001362177.2, NM_001406614.1, NM_001406615.1 and 10 more transcripts); c.-449T>G (NM_001406626.1, NM_001406627.1, NM_001406628.1); c.-591T>G (NM_001406629.1); c.-665T>G (NM_001406630.1); short protein forms I22M, I92M, I143M.
Identifiers: ClinVar variation 5031195 (VCV005031195.1).

ClinVar aggregate classification (germline): Uncertain significance (1 of 4 stars; one submission).

Conditions:
Hereditary cancer-predisposing syndrome. Also called: Neoplastic Syndromes, Hereditary; Tumor predisposition; Hereditary neoplastic syndrome; Hereditary Cancer Syndrome. Identifiers: Orphanet 140162, MedGen C0027672, MeSH D009386, MONDO:0015356.

Submission:

Ambry Genetics
Classification: Uncertain significance for Hereditary cancer-predisposing syndrome. Last evaluated: 2026-06-15. Review status: criteria provided, single submitter. Criteria: Ambry Variant Classification Scheme 2023. Collection method: clinical testing. Allele origin: germline.
Comment: The p.I143M variant (also known as c.429T>G), located in coding exon 4 of the TSC1 gene, results from a T to G substitution at nucleotide position 429. The isoleucine at codon 143 is replaced by methionine, an amino acid with highly similar properties. This amino acid position is conserved. In addition, this alteration is predicted to be deleterious by in silico analysis. Based on the available evidence, the clinical significance of this variant remains unclear.